The following is an entry in ClinVar:

NM_000030.3(AGXT):c.638C>T (p.Ala213Val)

Gene: AGXT (alanine--glyoxylate aminotransferase; plus strand). Cytogenetic location: 2q37.3.
Variant type: single nucleotide variant.
Coding change: c.638C>T on transcript NM_000030.3 (MANE Select); coding-DNA position 638, C replaced by T.
Protein change: p.Ala213Val; replaces alanine 213 with valine.
Molecular consequence: missense variant.
Genome position (GRCh38, 1-based): chr2:240,874,020, C>T. VCF-style: chr2-240874020-C-T. GRCh37 (hg19) VCF-style: chr2-241813437-C-T.
Other names: c.638C>T (NM_000030.2); short protein forms A213V.
Identifiers: ClinVar variation 3359181 (VCV003359181.5).

ClinVar aggregate classification (germline): Conflicting classifications of pathogenicity. Review status: criteria provided, conflicting classifications (1 of 4 stars). 3 submissions from 3 submitters: Likely pathogenic (1); Uncertain significance (1). 1 of the submissions does not count toward it. Last evaluated 2026-06-03.

Conditions:
Primary hyperoxaluria, type I (HP1). Also called: GLYCOLIC ACIDURIA; HEPATIC AGT DEFICIENCY; OXALOSIS I; Primary hyperoxaluria type 1. Identifiers: Orphanet 416, Orphanet 93598, MedGen C0268164, MONDO:0009823, OMIM 259900. Disease mechanism: loss of function.

gnomAD v4.1: 4 of 1,613,754 alleles (0.00025%); highest among the groups gnomAD compares: East Asian, 0.0089%; no homozygotes.

Submissions (3):

Myriad Genetics, Inc.
Classification: Uncertain significance for Primary hyperoxaluria, type I. Last evaluated: 2026-06-03. Review status: criteria provided, single submitter. Criteria: Myriad Autosomal Dominant, Autosomal Recessive and X-Linked Classification Criteria (2023). Collection method: clinical testing. Allele origin: unknown.
Comment: NM_000030.2(AGXT):c.638C>T(A213V) is a missense variant classified as a variant of uncertain significance in the context of primary hyperoxaluria type 1. A213V has been observed in cases with relevant disease (PMID: 40225159, 39131880, 39069867). Relevant functional assessments of this variant are not available in the literature. A213V has been observed in referenced population frequency databases. In summary, there is insufficient evidence to classify NM_000030.2(AGXT):c.638C>T(A213V) as pathogenic or benign. Please note: this variant was assessed in the context of healthy population screening.

Natera, Inc.
Classification: Likely pathogenic for Primary hyperoxaluria type I. Last evaluated: 2025-10-28. Review status: criteria provided, single submitter. Criteria: Natera Variant Classification Schema (03/2026). Collection method: clinical testing. Allele origin: germline.
Comment: The c.638C>T variant in AGXT is a missense variant predicted to cause substitution of alanine to valine at amino acid 213. This variant is rare in the general population with a frequency below the threshold expected for the associated phenotype(s). This variant has been observed in one or more individuals affected with the associated recessive disease, as either homozygous or compound heterozygous with a second variant (PMID: 39131880, 37306718). Computational prediction algorithms indicate this variant is likely to affect gene or protein function. Given the available evidence, this variant is classified as Likely Pathogenic.

Chinese Inherited Urolithiasis Consortium, The Affiliated Yantai Yuhuangding Hospital of Qingdao University
Classification: Likely pathogenic for Primary hyperoxaluria, type I. Last evaluated: 2024-08-26. Review status: no assertion criteria provided. Collection method: clinical testing. Allele origin: maternal, paternal. Affected: yes. Observed: 2 variant alleles. Not counted in ClinVar's aggregate classification.

Literature cited by the submitters: PubMed 39069867 (cited by Myriad Genetics, Inc.); PubMed 39131880 (cited by Myriad Genetics, Inc. and Natera, Inc.); PubMed 40225159 (cited by Myriad Genetics, Inc.); PubMed 37306718 (cited by Natera, Inc.).